The following is an entry in ClinVar:

NM_001042702.5(PJVK):c.559A>G (p.Met187Val)

Gene: PJVK (pejvakin; plus strand). Cytogenetic location: 2q31.2.
Variant type: single nucleotide variant.
Coding change: c.559A>G on transcript NM_001042702.5 (MANE Select); coding-DNA position 559, A replaced by G.
Protein change: p.Met187Val; replaces methionine 187 with valine.
Molecular consequence: missense variant.
Genome position (GRCh38, 1-based): chr2:178,458,519, A>G. VCF-style: chr2-178458519-A-G. GRCh37 (hg19) VCF-style: chr2-179323246-A-G.
Other names: c.559A>G (NM_001042702.3); c.568A>G, p.Met190Val (NM_001353775.2); c.664A>G, p.Met222Val (NM_001353776.2); c.82A>G, p.Met28Val (NM_001353777.1, NM_001353778.2); c.559A>G, p.Met187Val (NM_001369912.1); short protein forms M222V, M28V, M190V, M187V.
Identifiers: ClinVar variation 1940199 (VCV001940199.7), dbSNP rs754564100, ClinGen allele CA349400265.

ClinVar aggregate classification (germline): Uncertain significance. Review status: criteria provided, multiple submitters, no conflicts (2 of 4 stars). 3 submissions from 3 submitters: Uncertain significance (3). Last evaluated 2025-07-09.

Conditions:
Inborn genetic diseases. Identifiers: MedGen C0950123, MeSH D030342.

Allele frequency attached by ClinVar (database versions not stated): gnomAD 0.00001; TOPMed 0.00002.

Submissions (3):

GeneDx
Classification: Uncertain significance. Last evaluated: 2025-07-09. Review status: criteria provided, single submitter. Criteria: GeneDx Variant Classification Process June 2021. Collection method: clinical testing. Allele origin: germline. Affected: yes.
Comment: Not observed at significant frequency in large population cohorts (gnomAD); In silico analysis suggests that this missense variant does not alter protein structure/function; Has not been previously published as pathogenic or benign to our knowledge

Ambry Genetics
Classification: Uncertain significance for Inborn genetic diseases. Last evaluated: 2024-02-26. Review status: criteria provided, single submitter. Criteria: Ambry Variant Classification Scheme 2023. Collection method: clinical testing. Allele origin: germline.

Labcorp Genetics (formerly Invitae), Labcorp
Classification: Uncertain significance. Last evaluated: 2024-01-06. Review status: criteria provided, single submitter. Criteria: Invitae Variant Classification Sherloc (09022015). Collection method: clinical testing. Allele origin: germline.
Comment: This sequence change replaces methionine, which is neutral and non-polar, with valine, which is neutral and non-polar, at codon 187 of the DFNB59 protein (p.Met187Val). This variant is not present in population databases (gnomAD no frequency). This variant has not been reported in the literature in individuals affected with DFNB59-related conditions. ClinVar contains an entry for this variant (Variation ID: 1940199). Advanced modeling of protein sequence and biophysical properties (such as structural, functional, and spatial information, amino acid conservation, physicochemical variation, residue mobility, and thermodynamic stability) performed at Invitae indicates that this missense variant is not expected to disrupt DFNB59 protein function with a negative predictive value of 80%. In summary, the available evidence is currently insufficient to determine the role of this variant in disease. Therefore, it has been classified as a Variant of Uncertain Significance.